The following is an entry in ClinVar:

ClinVar aggregate classification (germline): Uncertain significance (1 of 4 stars; one submission).

Conditions:
Muscular dystrophy-dystroglycanopathy (congenital with brain and eye anomalies), type a, 8 (MDDGA8). Also called: WALKER-WARBURG SYNDROME OR MUSCLE-EYE-BRAIN DISEASE, GTDC2-RELATED. Identifiers: Orphanet 899, MedGen C3553813, MONDO:0013904, OMIM 614830.

Allele frequency attached by ClinVar (database versions not stated): gnomAD exomes below 0.00001.
gnomAD v4.1: 1 of 1,613,866 alleles (0.000062%); highest among the groups gnomAD compares: Non-Finnish European, 0.000085%; no homozygotes.

Submission:

Labcorp Genetics (formerly Invitae), Labcorp
Classification: Uncertain significance for Muscular dystrophy-dystroglycanopathy (congenital with brain and eye anomalies), type a, 8. Last evaluated: 2020-07-29. Review status: criteria provided, single submitter. Criteria: Invitae Variant Classification Sherloc (09022015). Collection method: clinical testing. Allele origin: germline.
Comment: Algorithms developed to predict the effect of missense changes on protein structure and function (SIFT, PolyPhen-2, Align-GVGD) all suggest that this variant is likely to be disruptive, but these predictions have not been confirmed by published functional studies and their clinical significance is uncertain. In summary, the available evidence is currently insufficient to determine the role of this variant in disease. Therefore, it has been classified as a Variant of Uncertain Significance. This variant has not been reported in the literature in individuals with POMGNT2-related conditions. This sequence change replaces methionine with threonine at codon 67 of the POMGNT2 protein (p.Met67Thr). The methionine residue is highly conserved and there is a moderate physicochemical difference between methionine and threonine. This variant is not present in population databases (ExAC no frequency).

NM_032806.6(POMGNT2):c.200T>C (p.Met67Thr)

Gene: POMGNT2 (protein O-linked mannose N-acetylglucosaminyltransferase 2 (beta 1,4-); minus strand). Cytogenetic location: 3p22.1.
Variant type: single nucleotide variant.
Coding change: c.200T>C on transcript NM_032806.6 (MANE Select); coding-DNA position 200, T replaced by C.
Protein change: p.Met67Thr; replaces methionine 67 with threonine.
Molecular consequence: missense variant.
Genome position (GRCh38, 1-based): chr3:43,081,232, A>G on the plus strand (T>C on the coding strand, the complement: POMGNT2 is on the minus strand). VCF-style: chr3-43081232-A-G. GRCh37 (hg19) VCF-style: chr3-43122724-A-G.
Other names: short protein forms M67T.
Identifiers: ClinVar variation 1043775 (VCV001043775.5), dbSNP rs2089852276, ClinGen allele CA352303735.